The following is an entry in ClinVar:

NM_003128.3(SPTBN1):c.5894A>T (p.Asp1965Val)

Gene: SPTBN1 (spectrin beta, non-erythrocytic 1; plus strand). Cytogenetic location: 2p16.2.
Variant type: single nucleotide variant.
Coding change: c.5894A>T on transcript NM_003128.3 (MANE Select); coding-DNA position 5894, A replaced by T.
Protein change: p.Asp1965Val; replaces aspartic acid 1965 with valine.
Molecular consequence: missense variant.
Genome position (GRCh38, 1-based): chr2:54,655,141, A>T. VCF-style: chr2-54655141-A-T. GRCh37 (hg19) VCF-style: chr2-54882278-A-T.
Other names: c.5855A>T, p.Asp1952Val (NM_178313.3); short protein forms D1952V, D1965V.
Identifiers: ClinVar variation 4851323 (VCV004851323.1).

ClinVar aggregate classification (germline): Likely benign (1 of 4 stars; one submission).

Conditions:
Developmental delay, impaired speech, and behavioral abnormalities. Identifiers: MedGen C5561957, MONDO:0859178, OMIM 619475.

gnomAD v4.1: 12 of 1,614,230 alleles (0.00074%); highest among the groups gnomAD compares: Middle Eastern, 0.2%; no homozygotes.

Submission:

Centre for Medical Genetics,  Mumbai
Classification: Likely benign for Developmental delay, impaired speech, and behavioral abnormalities. Last evaluated: 2026-04-06. Review status: criteria provided, single submitter. Criteria: ACMG Guidelines, 2015. Collection method: provider interpretation. Allele origin: germline. Inheritance: Autosomal dominant inheritance. Affected: no. Observed: 1 variant allele, 1 heterozygote.
Comment: The variant satisfies PM2 criteria; Extremely low frequency in gnomAD population databases. The variant satisfies PP2 criteria; Missense variant in a gene with low rate of benign missense mutations and for which missense mutation is a common mechanism of a disease. However, the variant satisfies BS2 criteria.

Literature cited by the submitters: PubMed 34211179.